The following is an entry in ClinVar:

ClinVar aggregate classification (germline): Benign/Likely benign. Review status: criteria provided, multiple submitters, no conflicts (2 of 4 stars). 9 submissions from 9 submitters: Benign (1); Likely benign (5). 3 of the submissions do not count toward it. Last evaluated 2026-01-31.

Conditions:
Gastrointestinal stromal tumor. Also called: Gastrointestinal stromal tumor, somatic; Gastrointestinal stroma tumor. Identifiers: Orphanet 44890, MedGen C0238198, MeSH D046152, MONDO:0011719, OMIM 606764, HP:0100723.
Pheochromocytoma/paraganglioma syndrome 3. Also called: SDHC-Related Hereditary Paraganglioma-Pheochromocytoma Syndrome (Paragangliomas 3); Paragangliomas 3; SDHC-Related Hereditary Paraganglioma-Pheochromocytoma Syndrome; GLOMUS TUMORS, FAMILIAL, 3. Identifiers: Orphanet 29072, MedGen C1854336, MONDO:0011544, OMIM 605373.
Hereditary pheochromocytoma and paraganglioma. Also called: Hereditary paragangliomas and pheochromocytomas; Hereditary Paraganglioma-Pheochromocytoma Syndromes; Hereditary pheochromocytoma-paraganglioma. Identifiers: Orphanet 29072, MedGen C4274332, MONDO:0017366.

Allele frequency attached by ClinVar (database versions not stated): ESP Exome Variant Server 0.00015; gnomAD 0.00023; TOPMed 0.00032; 1000 Genomes Project 30x 0.00094; 1000 Genomes Project 0.00100.
gnomAD v4.1: 229 of 1,556,650 alleles (0.015%); highest among the groups gnomAD compares: African/African-American, 0.058%; no homozygotes.

Submissions (9):

Labcorp Genetics (formerly Invitae), Labcorp
Classification: Likely benign for Pheochromocytoma/paraganglioma syndrome 3; Gastrointestinal stromal tumor. Last evaluated: 2026-01-31. Review status: criteria provided, single submitter. Criteria: Invitae Variant Classification Sherloc (09022015). Collection method: clinical testing. Allele origin: germline.

Center for Genomic Medicine, Rigshospitalet, Copenhagen University Hospital
Classification: Likely benign. Last evaluated: 2025-12-29. Review status: criteria provided, single submitter. Criteria: ACMG Guidelines, 2015. Collection method: clinical testing. Allele origin: germline.

Myriad Genetics, Inc.
Classification: Benign for Pheochromocytoma/paraganglioma syndrome 3. Last evaluated: 2025-03-14. Review status: criteria provided, single submitter. Criteria: Myriad Autosomal Dominant, Autosomal Recessive and X-Linked Classification Criteria (2023). Collection method: clinical testing. Allele origin: unknown.
Comment: This variant is considered benign. This variant is intronic and is not expected to impact mRNA splicing. This variant has been observed at a population frequency that is significantly greater than expected given the associated disease prevalence and penetrance.

Department of Clinical Genetics, Copenhagen University Hospital, Rigshospitalet
Classification: Likely benign for Hereditary pheochromocytoma and paraganglioma. Last evaluated: 2025-01-24. Review status: criteria provided, single submitter. Criteria: ACMG Guidelines, 2015. Collection method: clinical testing. Allele origin: germline.
Comment: The following ACMG criteria have been used in classification: BP4 (SpliceAI < 0.1); BS1_SUP

Blueprint Genetics
Classification: Likely benign. Last evaluated: 2024-10-21. Review status: criteria provided, single submitter. Criteria: ACMG Guidelines, 2015. Collection method: clinical testing. Allele origin: germline.

GeneDx
Classification: Likely benign. Last evaluated: 2017-12-18. Review status: criteria provided, single submitter. Criteria: GeneDx Variant Classification (06012015). Collection method: clinical testing. Allele origin: germline. Affected: yes.
Comment: This variant is considered likely benign or benign based on one or more of the following criteria: it is a conservative change, it occurs at a poorly conserved position in the protein, it is predicted to be benign by multiple in silico algorithms, and/or has population frequency not consistent with disease.

Diagnostic Laboratory, Department of Genetics, University Medical Center Groningen
Classification: Likely benign. Review status: no assertion criteria provided. Collection method: clinical testing. Allele origin: germline. Affected: yes. Study: VKGL Data-share Consensus. Not counted in ClinVar's aggregate classification.

Genome Diagnostics Laboratory, Amsterdam University Medical Center
Classification: Likely benign. Review status: no assertion criteria provided. Collection method: clinical testing. Allele origin: germline. Affected: yes. Study: VKGL Data-share Consensus. Not counted in ClinVar's aggregate classification.

Joint Genome Diagnostic Labs from Nijmegen and Maastricht, Radboudumc and MUMC+
Classification: Likely benign. Review status: no assertion criteria provided. Collection method: clinical testing. Allele origin: germline. Affected: yes. Study: VKGL Data-share Consensus. Not counted in ClinVar's aggregate classification.

Literature cited by the submitters: PubMed 27279923 (cited by Department of Clinical Genetics, Copenhagen University Hospital, Rigshospitalet).

NM_003001.5(SDHC):c.78-19C>T

Gene: SDHC (succinate dehydrogenase complex subunit C; plus strand). Cytogenetic location: 1q23.3.
Variant type: single nucleotide variant.
Coding change: c.78-19C>T on transcript NM_003001.5 (MANE Select); 19 bases into the intron before coding-DNA position 78, C replaced by T.
Molecular consequence: intron variant.
Genome position (GRCh38, 1-based): chr1:161,328,377, C>T. VCF-style: chr1-161328377-C-T. GRCh37 (hg19) VCF-style: chr1-161298167-C-T.
Other names: c.-34-19C>T (NM_001407119.1, NM_001407120.1); c.78-19C>T (NM_001407115.1, NM_001035511.3); c.77+4707C>T (NM_001035512.3, NM_001278172.3, NM_001407118.1); c.21-19C>T (NM_001407116.1, NM_001407121.1, NM_001407117.1); c.21-12217C>T (NM_001035513.3).
Identifiers: ClinVar variation 388960 (VCV000388960.21), dbSNP rs144770080, ClinGen allele CA048564.
Genomic context (GRCh38, chr1:161,328,377, plus strand): 5'-TTGACTTAATAAAACGTTATGCAAAATATTAAACCAAGTTTACTTTTAGTTATTTTCAAA[C>T]GGTCTGGTTTTATTTTAGTGCTGTTCCTTTGGGAACCACGGCCAAAGAAGAGATGGAGCG-3'